The following is an entry in ClinVar:

NM_000179.3(MSH6):c.1153A>C (p.Arg385=)

Gene: MSH6 (mutS homolog 6; plus strand). Cytogenetic location: 2p16.3.
Variant type: single nucleotide variant.
Coding change: c.1153A>C on transcript NM_000179.3 (MANE Select); coding-DNA position 1153, A replaced by C.
Protein change: p.Arg385=; no amino-acid change (arginine 385 retained).
Molecular consequence: synonymous variant.
Genome position (GRCh38, 1-based): chr2:47,799,136, A>C. VCF-style: chr2-47799136-A-C. GRCh37 (hg19) VCF-style: chr2-48026275-A-C.
Other names: c.763A>C, p.Arg255= (NM_001281492.2); c.247A>C, p.Arg83= (NM_001281493.2, NM_001281494.2).
Identifiers: ClinVar variation 184833 (VCV000184833.22), dbSNP rs781652274, ClinGen allele CA008178.

ClinVar aggregate classification (germline): Benign/Likely benign. Review status: criteria provided, multiple submitters, no conflicts (2 of 4 stars). 7 submissions from 7 submitters: Benign (2); Likely benign (5). Last evaluated 2026-05-20.

Conditions:
MSH6-related disorder. Also called: MSH6-related condition; MSH6-Related disorders.
Hereditary nonpolyposis colorectal neoplasms. Identifiers: MedGen C0009405, MeSH D003123.
Endometrial carcinoma. Also called: Endometrial carcinoma, somatic. Identifiers: MedGen C0476089, MONDO:0002447, OMIM 608089, HP:0012114.
Lynch syndrome 5 (LYNCH5). Also called: Colorectal cancer, hereditary nonpolyposis, type 5; Hereditary non-polyposis colorectal cancer, type 5. Identifiers: Orphanet 144, MedGen C1833477, MONDO:0013710, OMIM 614350. Disease mechanism: loss of function.
Mismatch repair cancer syndrome 3. Identifiers: MedGen C5436807, MONDO:0030841, OMIM 619097.
Hereditary cancer-predisposing syndrome. Also called: Neoplastic Syndromes, Hereditary; Tumor predisposition; Hereditary neoplastic syndrome; Hereditary Cancer Syndrome. Identifiers: Orphanet 140162, MedGen C0027672, MeSH D009386, MONDO:0015356.

Allele frequency attached by ClinVar (database versions not stated): gnomAD 0.00001; ExAC 0.00002; gnomAD exomes 0.00003; TOPMed 0.00003.
gnomAD v4.1: 44 of 1,613,194 alleles (0.0027%); highest among the groups gnomAD compares: East Asian, 0.027%; no homozygotes.

Submissions (7):

PreventionGenetics, part of Exact Sciences
Classification: Likely benign for MSH6-related condition. Last evaluated: 2026-05-20. Review status: criteria provided, single submitter. Criteria: ACMG Guidelines, 2015. Collection method: clinical testing. Allele origin: germline.
Comment: This variant is classified as likely benign based on ACMG/AMP sequence variant interpretation guidelines (Richards et al. 2015 PMID: 25741868, with internal and published modifications).

Labcorp Genetics (formerly Invitae), Labcorp
Classification: Likely benign for Hereditary nonpolyposis colorectal neoplasms. Last evaluated: 2025-12-23. Review status: criteria provided, single submitter. Criteria: Invitae Variant Classification Sherloc (09022015). Collection method: clinical testing. Allele origin: germline.

Myriad Genetics, Inc.
Classification: Benign for Lynch syndrome 5. Last evaluated: 2024-12-23. Review status: criteria provided, single submitter. Criteria: Myriad Autosomal Dominant, Autosomal Recessive and X-Linked Classification Criteria (2023). Collection method: clinical testing. Allele origin: unknown.
Comment: This variant is considered benign. This variant is a silent/synonymous amino acid change and it is not expected to impact splicing.

Department of Pathology and Laboratory Medicine, Sinai Health System
Classification: Likely benign for Endometrial carcinoma; Lynch syndrome 5; Mismatch repair cancer syndrome 3. Last evaluated: 2024-11-21. Review status: criteria provided, single submitter. Criteria: ACMG Guidelines, 2015. Collection method: clinical testing. Allele origin: germline.

Ambry Genetics
Classification: Likely benign for Hereditary cancer-predisposing syndrome. Last evaluated: 2017-10-12. Review status: criteria provided, single submitter. Criteria: Ambry Variant Classification Scheme 2023. Collection method: clinical testing. Allele origin: germline.

Color Diagnostics, LLC DBA Color Health
Classification: Likely benign for Hereditary cancer-predisposing syndrome. Last evaluated: 2016-07-01. Review status: criteria provided, single submitter. Criteria: ACMG Guidelines, 2015. Collection method: clinical testing. Allele origin: germline.

GeneDx
Classification: Benign. Last evaluated: 2015-08-18. Review status: criteria provided, single submitter. Criteria: GeneDx Variant Classification Process June 2021. Collection method: clinical testing. Allele origin: germline. Affected: yes.